The following is an entry in ClinVar:

NM_000416.3(IFNGR1):c.1388T>C (p.Leu463Pro)

Gene: IFNGR1 (interferon gamma receptor 1; minus strand). Cytogenetic location: 6q23.3.
Variant type: single nucleotide variant.
Coding change: c.1388T>C on transcript NM_000416.3 (MANE Select); coding-DNA position 1388, T replaced by C.
Protein change: p.Leu463Pro; replaces leucine 463 with proline.
Molecular consequence: missense variant.
Genome position (GRCh38, 1-based): chr6:137,198,113, A>G on the plus strand (T>C on the coding strand, the complement: IFNGR1 is on the minus strand). VCF-style: chr6-137198113-A-G. GRCh37 (hg19) VCF-style: chr6-137519250-A-G.
Other names: c.1358T>C, p.Leu453Pro (NM_001363526.1); c.1265T>C, p.Leu422Pro (NM_001363527.1); short protein forms L453P, L422P, L463P.
Identifiers: ClinVar variation 4773150 (VCV004773150.1).
Genomic context (GRCh38, chr6:137,198,113, plus strand): 5'-TCTGTTGGTCTATAACCAATCAAGGACTCTTTACCGCTATCATCCACAAGTAGATCCACT[A>G]GCACATGTGGTTTATCATAACCAAAGGAGGTGGGGGCTTTTATTACGGTTATGAGCTCTT-3'
Protein context (NP_000407.1, residues 453-473): TSFGYDKPHV[Leu463Pro]VDLLVDDSGK

ClinVar aggregate classification (germline): Uncertain significance (1 of 4 stars; one submission).

Conditions:
Disseminated atypical mycobacterial infection. Identifiers: MedGen C0694566.

Submission:

Labcorp Genetics (formerly Invitae), Labcorp
Classification: Uncertain significance for Disseminated atypical mycobacterial infection. Last evaluated: 2025-03-19. Review status: criteria provided, single submitter. Criteria: Invitae Variant Classification Sherloc (09022015). Collection method: clinical testing. Allele origin: germline.
Comment: This sequence change replaces leucine, which is neutral and non-polar, with proline, which is neutral and non-polar, at codon 463 of the IFNGR1 protein (p.Leu463Pro). This variant is not present in population databases (gnomAD no frequency). This variant has not been reported in the literature in individuals affected with IFNGR1-related conditions. Invitae Evidence Modeling of protein sequence and biophysical properties (such as structural, functional, and spatial information, amino acid conservation, physicochemical variation, residue mobility, and thermodynamic stability) indicates that this missense variant is not expected to disrupt IFNGR1 protein function with a negative predictive value of 80%. In summary, the available evidence is currently insufficient to determine the role of this variant in disease. Therefore, it has been classified as a Variant of Uncertain Significance.